The following is an entry in ClinVar:

NM_000542.5(SFTPB):c.494G>A (p.Arg165Gln)

Gene: SFTPB (surfactant protein B; minus strand). Cytogenetic location: 2p11.2.
Variant type: single nucleotide variant.
Coding change: c.494G>A on transcript NM_000542.5 (MANE Select); coding-DNA position 494, G replaced by A.
Protein change: p.Arg165Gln; replaces arginine 165 with glutamine.
Molecular consequence: missense variant.
Genome position (GRCh38, 1-based): chr2:85,665,694, C>T on the plus strand (G>A on the coding strand, the complement: SFTPB is on the minus strand). VCF-style: chr2-85665694-C-T. GRCh37 (hg19) VCF-style: chr2-85892817-C-T.
Other names: c.494G>A, p.Arg165Gln (NM_001367281.2, NM_198843.4); short protein forms R165Q.
Identifiers: ClinVar variation 1746757 (VCV001746757.6), dbSNP rs370750455, ClinGen allele CA1744022.

ClinVar aggregate classification (germline): Uncertain significance. Review status: criteria provided, multiple submitters, no conflicts (2 of 4 stars). 2 submissions from 2 submitters: Uncertain significance (2). Last evaluated 2022-11-01.

Conditions:
Hereditary pulmonary alveolar proteinosis. Also called: Pulmonary surfactant metabolism dysfunction. Identifiers: Orphanet 264675, MedGen C3711368, MONDO:0012580.

Allele frequency attached by ClinVar (database versions not stated): ESP Exome Variant Server 0.00008; gnomAD 0.00008; TOPMed 0.00009; ExAC 0.00015; 1000 Genomes Project 30x 0.00016; 1000 Genomes Project 0.00020.

Submissions (2):

Labcorp Genetics (formerly Invitae), Labcorp
Classification: Uncertain significance. Last evaluated: 2022-11-01. Review status: criteria provided, single submitter. Criteria: Invitae Variant Classification Sherloc (09022015). Collection method: clinical testing. Allele origin: germline.
Comment: In summary, the available evidence is currently insufficient to determine the role of this variant in disease. Therefore, it has been classified as a Variant of Uncertain Significance. This sequence change replaces arginine, which is basic and polar, with glutamine, which is neutral and polar, at codon 177 of the SFTPB protein (p.Arg177Gln). This variant is present in population databases (rs370750455, gnomAD 0.04%). This variant has not been reported in the literature in individuals affected with SFTPB-related conditions. Algorithms developed to predict the effect of missense changes on protein structure and function (SIFT, PolyPhen-2, Align-GVGD) all suggest that this variant is likely to be tolerated. Algorithms developed to predict the effect of sequence changes on RNA splicing suggest that this variant may create or strengthen a splice site.

Ambry Genetics
Classification: Uncertain significance for Hereditary pulmonary alveolar proteinosis. Last evaluated: 2017-10-18. Review status: criteria provided, single submitter. Criteria: Ambry Variant Classification Scheme 2023. Collection method: clinical testing. Allele origin: germline.
Comment: The p.R177Q variant (also known as c.530G>A), located in coding exon 5 of the SFTPB gene, results from a G to A substitution at nucleotide position 530. The arginine at codon 177 is replaced by glutamine, an amino acid with highly similar properties. This amino acid position is not conserved on limited sequence alignment. In addition, this alteration is predicted to be tolerated by in silico analysis. Since supporting evidence is limited at this time, the clinical significance of this alteration remains unclear.